The following is an entry in ClinVar:

ClinVar aggregate classification (germline): Uncertain significance (1 of 4 stars; one submission).

Conditions:
Thrombophilia due to protein S deficiency, autosomal recessive (THPH6). Identifiers: Orphanet 743, MedGen C3281092, MONDO:0013791, OMIM 614514. Disease mechanism: loss of function.

Allele frequency attached by ClinVar (database versions not stated): gnomAD exomes 0.00001 and 0.00002; TOPMed 0.00002; gnomAD 0.00003 and 0.00004.
gnomAD v4.1: 16 of 1,613,514 alleles (0.00099%); highest among the groups gnomAD compares: East Asian, 0.0022%; no homozygotes.

Submission:

Labcorp Genetics (formerly Invitae), Labcorp
Classification: Uncertain significance for Thrombophilia due to protein S deficiency, autosomal recessive. Last evaluated: 2021-08-27. Review status: criteria provided, single submitter. Criteria: Invitae Variant Classification Sherloc (09022015). Collection method: clinical testing. Allele origin: germline.
Comment: This sequence change replaces arginine with glutamine at codon 432 of the PROS1 protein (p.Arg432Gln). The arginine residue is moderately conserved and there is a small physicochemical difference between arginine and glutamine. This variant is not present in population databases (ExAC no frequency). This variant has not been reported in the literature in individuals affected with PROS1-related conditions. Algorithms developed to predict the effect of missense changes on protein structure and function (SIFT, PolyPhen-2, Align-GVGD) all suggest that this variant is likely to be tolerated. In summary, the available evidence is currently insufficient to determine the role of this variant in disease. Therefore, it has been classified as a Variant of Uncertain Significance.

NM_000313.4(PROS1):c.1295G>A (p.Arg432Gln)

Gene: PROS1 (protein S; minus strand). Cytogenetic location: 3q11.1.
Variant type: single nucleotide variant.
Coding change: c.1295G>A on transcript NM_000313.4 (MANE Select); coding-DNA position 1295, G replaced by A.
Protein change: p.Arg432Gln; replaces arginine 432 with glutamine.
Molecular consequence: missense variant.
Genome position (GRCh38, 1-based): chr3:93,886,364, C>T on the plus strand (G>A on the coding strand, the complement: PROS1 is on the minus strand). VCF-style: chr3-93886364-C-T. GRCh37 (hg19) VCF-style: chr3-93605208-C-T.
Other names: c.1391G>A, p.Arg464Gln (NM_001314077.2); short protein forms R432Q, R464Q.
Identifiers: ClinVar variation 1060604 (VCV001060604.2), dbSNP rs1320598375, ClinGen allele CA353669364.